The following is an entry in ClinVar:

ClinVar aggregate classification (germline): Uncertain significance (1 of 4 stars; one submission).

Conditions:
Dilated Cardiomyopathy, Dominant.

Allele frequency attached by ClinVar (database versions not stated): TOPMed below 0.00001.

Submission:

Labcorp Genetics (formerly Invitae), Labcorp
Classification: Uncertain significance for Dilated Cardiomyopathy, Dominant. Last evaluated: 2019-04-09. Review status: criteria provided, single submitter. Criteria: Invitae Variant Classification Sherloc (09022015). Collection method: clinical testing. Allele origin: germline.
Comment: This sequence change replaces alanine with threonine at codon 193 of the CHRM2 protein (p.Ala193Thr). The alanine residue is highly conserved and there is a small physicochemical difference between alanine and threonine. This variant is not present in population databases (ExAC no frequency). This variant has not been reported in the literature in individuals with CHRM2-related conditions. Algorithms developed to predict the effect of missense changes on protein structure and function (SIFT, PolyPhen-2, Align-GVGD) all suggest that this variant is likely to be disruptive, but these predictions have not been confirmed by published functional studies and their clinical significance is uncertain. In summary, the available evidence is currently insufficient to determine the role of this variant in disease. Therefore, it has been classified as a Variant of Uncertain Significance.

NM_001006630.2(CHRM2):c.577G>A (p.Ala193Thr)

Genes: CHRM2 (cholinergic receptor muscarinic 2; plus strand), LOC349160 (uncharacterized LOC349160; minus strand). Cytogenetic location: 7q33.
Variant type: single nucleotide variant.
Coding change: c.577G>A on transcript NM_001006630.2 (MANE Select); coding-DNA position 577, G replaced by A.
Protein change: p.Ala193Thr; replaces alanine 193 with threonine.
Molecular consequence: missense variant.
Genome position (GRCh38, 1-based): chr7:137,015,442, G>A. VCF-style: chr7-137015442-G-A. GRCh37 (hg19) VCF-style: chr7-136700189-G-A.
Other names: c.577G>A, p.Ala193Thr (NM_000739.3, NM_001006626.3, NM_001006627.3 and 6 more transcripts); short protein forms A193T.
Identifiers: ClinVar variation 847609 (VCV000847609.1), dbSNP rs1805107459, ClinGen allele CA369486807.